The following is an entry in ClinVar:

NM_032578.4(MYPN):c.727A>G (p.Ser243Gly)

Gene: MYPN (myopalladin; plus strand). Cytogenetic location: 10q21.3.
Variant type: single nucleotide variant.
Coding change: c.727A>G on transcript NM_032578.4 (MANE Select); coding-DNA position 727, A replaced by G.
Protein change: p.Ser243Gly; replaces serine 243 with glycine.
Molecular consequence: missense variant. On other transcripts: 5 prime UTR variant (1), non-coding transcript variant (1).
Genome position (GRCh38, 1-based): chr10:68,122,165, A>G. VCF-style: chr10-68122165-A-G. GRCh37 (hg19) VCF-style: chr10-69881922-A-G.
Other names: c.727A>G, p.Ser243Gly (NM_001256267.2); c.-396A>G (NM_001256268.2); short protein forms S243G.
Identifiers: ClinVar variation 3402081 (VCV003402081.1).

ClinVar aggregate classification (germline): Uncertain significance (1 of 4 stars; one submission).

Conditions:
Cardiovascular phenotype. Identifiers: MedGen CN230736.

Submission:

Ambry Genetics
Classification: Uncertain significance for Cardiovascular phenotype. Last evaluated: 2024-10-28. Review status: criteria provided, single submitter. Criteria: Ambry Variant Classification Scheme 2023. Collection method: clinical testing. Allele origin: germline.
Comment: The p.S243G variant (also known as c.727A>G), located in coding exon 1 of the MYPN gene, results from an A to G substitution at nucleotide position 727. The serine at codon 243 is replaced by glycine, an amino acid with similar properties. This amino acid position is conserved. In addition, this alteration is predicted to be tolerated by in silico analysis. Based on the available evidence, the clinical significance of this variant remains unclear.